The following is an entry in ClinVar:

ClinVar aggregate classification (germline): Uncertain significance (1 of 4 stars; one submission).

Conditions:
Charcot-Marie-Tooth disease axonal type 2P. Also called: Charcot-Marie-Tooth Neuropathy Type 2G; CHARCOT-MARIE-TOOTH DISEASE, AXONAL, TYPE 2G; CMT 2G; CHARCOT-MARIE-TOOTH NEUROPATHY, TYPE 2P. Identifiers: Orphanet 300319, Orphanet 99941, MedGen C3280797, MONDO:0013753, OMIM 614436.

Allele frequency attached by ClinVar (database versions not stated): gnomAD exomes below 0.00001 and 0.00001; gnomAD 0.00001; TOPMed 0.00001.
gnomAD v4.1: 17 of 1,614,044 alleles (0.0011%); highest among the groups gnomAD compares: Non-Finnish European, 0.0013%; no homozygotes.

Submission:

Labcorp Genetics (formerly Invitae), Labcorp
Classification: Uncertain significance for Charcot-Marie-Tooth disease axonal type 2P. Last evaluated: 2020-12-16. Review status: criteria provided, single submitter. Criteria: Invitae Variant Classification Sherloc (09022015). Collection method: clinical testing. Allele origin: germline.
Comment: In summary, the available evidence is currently insufficient to determine the role of this variant in disease. Therefore, it has been classified as a Variant of Uncertain Significance. Algorithms developed to predict the effect of missense changes on protein structure and function (SIFT, PolyPhen-2, Align-GVGD) all suggest that this variant is likely to be disruptive, but these predictions have not been confirmed by published functional studies and their clinical significance is uncertain. This variant has not been reported in the literature in individuals with LRSAM1-related conditions. This variant is not present in population databases (ExAC no frequency). This sequence change replaces isoleucine with serine at codon 33 of the LRSAM1 protein (p.Ile33Ser). The isoleucine residue is highly conserved and there is a large physicochemical difference between isoleucine and serine.

NM_001005373.4(LRSAM1):c.98T>G (p.Ile33Ser)

Gene: LRSAM1 (leucine rich repeat and sterile alpha motif containing 1; plus strand). Cytogenetic location: 9q33.3.
Variant type: single nucleotide variant.
Coding change: c.98T>G on transcript NM_001005373.4 (MANE Select); coding-DNA position 98, T replaced by G.
Protein change: p.Ile33Ser; replaces isoleucine 33 with serine.
Molecular consequence: missense variant. On other transcripts: 5 prime UTR variant (1), non-coding transcript variant (2).
Genome position (GRCh38, 1-based): chr9:127,455,023, T>G. VCF-style: chr9-127455023-T-G. GRCh37 (hg19) VCF-style: chr9-130217302-T-G.
Other names: c.98T>G, p.Ile33Ser (NM_001005374.4, NM_001190723.3, NM_001384142.1 and 2 more transcripts); c.-687T>G (NM_001384144.1); short protein forms I33S.
Identifiers: ClinVar variation 862139 (VCV000862139.9), dbSNP rs1276292442, ClinGen allele CA374961940.